The following is an entry in ClinVar:

ClinVar aggregate classification (germline): Uncertain significance (1 of 4 stars; one submission).

Submission:

Women's Health and Genetics/Laboratory Corporation of America, LabCorp
Classification: Uncertain significance. Last evaluated: 2026-03-09. Review status: criteria provided, single submitter. Criteria: LabCorp Variant Classification Summary - May 2015. Collection method: clinical testing. Allele origin: germline.
Comment: Variant summary: PGK1 c.*12C>G is located in the untranslated mRNA region downstream of the termination codon. The variant was absent in 183224 control chromosomes. The available data on variant occurrences in the general population are insufficient to allow any conclusion about variant significance. To our knowledge, no occurrence of c.*12C>G in individuals affected with PGK1-related conditions and no experimental evidence demonstrating its impact on protein function have been reported. No submitters have cited clinical-significance assessments for this variant to ClinVar. Based on the evidence outlined above, the variant was classified as uncertain significance.

NM_000291.4(PGK1):c.*12C>G

Gene: PGK1 (phosphoglycerate kinase 1; plus strand). Cytogenetic location: Xq21.1.
Variant type: single nucleotide variant.
Coding change: c.*12C>G on transcript NM_000291.4 (MANE Select); 12 bases downstream of the stop codon, C replaced by G.
Molecular consequence: 3 prime UTR variant.
Genome position (GRCh38, 1-based): chrX:78,125,842, C>G. VCF-style: chrX-78125842-C-G. GRCh37 (hg19) VCF-style: chrX-77381339-C-G.
Identifiers: ClinVar variation 4847401 (VCV004847401.1).